The following is an entry in ClinVar:

NM_001104631.2(PDE4D):c.2278A>C (p.Thr760Pro)

Gene: PDE4D (phosphodiesterase 4D; minus strand). Cytogenetic location: 5q11.2.
Variant type: single nucleotide variant.
Coding change: c.2278A>C on transcript NM_001104631.2 (MANE Select); coding-DNA position 2278, A replaced by C.
Protein change: p.Thr760Pro; replaces threonine 760 with proline.
Molecular consequence: missense variant.
Genome position (GRCh38, 1-based): chr5:58,974,816, T>G on the plus strand (A>C on the coding strand, the complement: PDE4D is on the minus strand). VCF-style: chr5-58974816-T-G. GRCh37 (hg19) VCF-style: chr5-58270643-T-G.
Other names: c.2095A>C, p.Thr699Pro (NM_001165899.2, NM_001364599.1); c.2086A>C, p.Thr696Pro (NM_001197218.2); c.1912A>C, p.Thr638Pro (NM_001197219.2); c.1888A>C, p.Thr630Pro (NM_001197220.2); c.1372A>C, p.Thr458Pro (NM_001197221.2, NM_001364603.1); c.1606A>C, p.Thr536Pro (NM_001197222.2); c.1405A>C, p.Thr469Pro (NM_001197223.2); c.2065A>C, p.Thr689Pro (NM_001349241.2); and 3 more; short protein forms T458P, T469P, T504P, T536P, T624P, T630P, T638P, T650P.
Identifiers: ClinVar variation 3603381 (VCV003603381.2).

ClinVar aggregate classification (germline): Uncertain significance (1 of 4 stars; one submission).

gnomAD v4.1: 1 of 1,613,656 alleles (0.000062%); highest among the groups gnomAD compares: Non-Finnish European, 0.000085%; no homozygotes.

Submission:

Labcorp Genetics (formerly Invitae), Labcorp
Classification: Uncertain significance. Last evaluated: 2024-08-21. Review status: criteria provided, single submitter. Criteria: Invitae Variant Classification Sherloc (09022015). Collection method: clinical testing. Allele origin: germline.
Comment: This sequence change replaces threonine, which is neutral and polar, with proline, which is neutral and non-polar, at codon 760 of the PDE4D protein (p.Thr760Pro). This variant is not present in population databases (gnomAD no frequency). This variant has not been reported in the literature in individuals affected with PDE4D-related conditions. An algorithm developed to predict the effect of missense changes on protein structure and function (PolyPhen-2) suggests that this variant is likely to be tolerated. In summary, the available evidence is currently insufficient to determine the role of this variant in disease. Therefore, it has been classified as a Variant of Uncertain Significance.